The following is an entry in ClinVar:

ClinVar aggregate classification (germline): Uncertain significance (1 of 4 stars; one submission).

Submission:

Labcorp Genetics (formerly Invitae), Labcorp
Classification: Uncertain significance. Last evaluated: 2023-10-13. Review status: criteria provided, single submitter. Criteria: Invitae Variant Classification Sherloc (09022015). Collection method: clinical testing. Allele origin: germline.
Comment: This sequence change replaces glutamine, which is neutral and polar, with histidine, which is basic and polar, at codon 244 of the LRIT3 protein (p.Gln244His). This variant is not present in population databases (gnomAD no frequency). This variant has not been reported in the literature in individuals affected with LRIT3-related conditions. ClinVar contains an entry for this variant (Variation ID: 1999910). An algorithm developed to predict the effect of missense changes on protein structure and function (PolyPhen-2) suggests that this variant is likely to be disruptive. In summary, the available evidence is currently insufficient to determine the role of this variant in disease. Therefore, it has been classified as a Variant of Uncertain Significance.

NM_198506.5(LRIT3):c.732G>T (p.Gln244His)

Gene: LRIT3 (leucine rich repeat, Ig-like and transmembrane domains 3; plus strand). Cytogenetic location: 4q25.
Variant type: single nucleotide variant.
Coding change: c.732G>T on transcript NM_198506.5 (MANE Select); coding-DNA position 732, G replaced by T.
Protein change: p.Gln244His; replaces glutamine 244 with histidine.
Molecular consequence: missense variant.
Genome position (GRCh38, 1-based): chr4:109,867,783, G>T. VCF-style: chr4-109867783-G-T. GRCh37 (hg19) VCF-style: chr4-110788939-G-T.
Other names: short protein forms Q244H.
Identifiers: ClinVar variation 1999910 (VCV001999910.4), dbSNP rs2545588496, ClinGen allele CA357867417.